The following is an entry in ClinVar:

NM_004990.4(MARS1):c.1709_1710delinsTT (p.Gly570Val)

Gene: MARS1 (methionyl-tRNA synthetase 1; plus strand). Cytogenetic location: 12q13.3.
Variant type: Indel.
Coding change: c.1709_1710delinsTT on transcript NM_004990.4 (MANE Select); coding-DNA positions 1709 to 1710, GA replaced by TT.
Protein change: p.Gly570Val; replaces glycine 570 with valine.
Molecular consequence: missense variant.
Genome position (GRCh38, 1-based): chr12:57,512,309-57,512,310, GA replaced by TT. VCF-style: chr12-57512309-GA-TT. GRCh37 (hg19) VCF-style: chr12-57906092-GA-TT.
Other names: short protein forms G570V.
Identifiers: ClinVar variation 2949452 (VCV002949452.3), dbSNP rs2540313691, ClinGen allele CA2740092407.
Genomic context (GRCh38, chr12:57,512,309, plus strand): 5'-AGTTCATGGCCAAAGACAATGTTCCTTTCCATAGCTTAGTCTTTCCTTGCTCAGCCCTAG[GA>TT]GCTGAGGATAACTATACCTTGGTCAGCCACCTCATTGCTACAGGTAAGTACCCTGGAAGA-3'
Protein context (NP_004981.2, residues 560-580): HSLVFPCSAL[Gly570Val]AEDNYTLVSH

ClinVar aggregate classification (germline): Uncertain significance (1 of 4 stars; one submission).

Conditions:
Severe early-onset pulmonary alveolar proteinosis due to MARS deficiency. Also called: PULMONARY ALVEOLAR PROTEINOSIS, REUNION ISLAND; Interstitial lung and liver disease. Identifiers: Orphanet 440427, MedGen C4225400, MONDO:0014206, OMIM 615486.
Charcot-Marie-Tooth disease axonal type 2U. Also called: CHARCOT-MARIE-TOOTH NEUROPATHY, TYPE 2U; CHARCOT-MARIE-TOOTH DISEASE, AXONAL, AUTOSOMAL DOMINANT, TYPE 2U. Identifiers: Orphanet 397735, MedGen C4084821, MONDO:0014566, OMIM 616280.

Submission:

Labcorp Genetics (formerly Invitae), Labcorp
Classification: Uncertain significance for Charcot-Marie-Tooth disease axonal type 2U; Severe early-onset pulmonary alveolar proteinosis due to MARS deficiency. Last evaluated: 2023-08-04. Review status: criteria provided, single submitter. Criteria: Invitae Variant Classification Sherloc (09022015). Collection method: clinical testing. Allele origin: germline.
Comment: In summary, the available evidence is currently insufficient to determine the role of this variant in disease. Therefore, it has been classified as a Variant of Uncertain Significance. An algorithm developed to predict the effect of missense changes on protein structure and function (PolyPhen-2) suggests that this variant is likely to be disruptive. This variant has not been reported in the literature in individuals affected with MARS-related conditions. Information on the frequency of this variant in the gnomAD database is not available, as this variant may be reported differently in the database. This sequence change replaces glycine, which is neutral and non-polar, with valine, which is neutral and non-polar, at codon 570 of the MARS protein (p.Gly570Val).